The following is an entry in ClinVar:

NM_018489.3(ASH1L):c.7568G>A (p.Arg2523His)

Gene: ASH1L (ASH1 like histone lysine methyltransferase; minus strand). Cytogenetic location: 1q22.
Variant type: single nucleotide variant.
Coding change: c.7568G>A on transcript NM_018489.3 (MANE Select); coding-DNA position 7568, G replaced by A.
Protein change: p.Arg2523His; replaces arginine 2523 with histidine.
Molecular consequence: missense variant.
Genome position (GRCh38, 1-based): chr1:155,347,891, C>T on the plus strand (G>A on the coding strand, the complement: ASH1L is on the minus strand). VCF-style: chr1-155347891-C-T. GRCh37 (hg19) VCF-style: chr1-155317682-C-T.
Other names: c.7583G>A, p.Arg2528His (NM_001366177.2); c.7568G>A (NM_018489.2); short protein forms R2523H, R2528H.
Identifiers: ClinVar variation 1694527 (VCV001694527.32), dbSNP rs41264231, ClinGen allele CA1146082.
Genomic context (GRCh38, chr1:155,347,891, plus strand): 5'-TGCCGGGCATTGTAATAGGCCTTTCGTAGACGACAAACATCTCTCCCAACTGGGGATTTA[C>T]GCCCATAGTACTTCTGAAGAAAGCAAATAAAGAAATCATGTTTGGTTCTCTCAATGTGGC-3'
Protein context (NP_060959.2, residues 2513-2533): VFRNAEKYYG[Arg2523His]KSPVGRDVCR

ClinVar aggregate classification (germline): Likely benign. Review status: criteria provided, single submitter (1 of 4 stars). 2 submissions from 2 submitters: Likely benign (1). 1 of the submissions does not count toward it. Last evaluated 2026-08-01.

Conditions:
ASH1L-related disorder. Also called: ASH1L-related condition.

Allele frequency attached by ClinVar (database versions not stated): 1000 Genomes Project 30x 0.00062; 1000 Genomes Project 0.00080; gnomAD 0.00162 and 0.00166; ESP Exome Variant Server 0.00169; TOPMed 0.00175; ExAC 0.00203; gnomAD exomes 0.00228.
gnomAD v4.1: 2,302 of 1,614,152 alleles (0.14%); highest among the groups gnomAD compares: Middle Eastern, 0.76%; 15 homozygotes.

Submissions (2):

CeGaT Center for Human Genetics Tuebingen
Classification: Likely benign. Last evaluated: 2026-08-01. Review status: criteria provided, single submitter. Criteria: CeGaT Center For Human Genetics Tuebingen Variant Classification Criteria Version 2. Collection method: clinical testing. Allele origin: germline. Affected: yes. Observed: 22 variant alleles.
Comment: ASH1L: BS1

PreventionGenetics, part of Exact Sciences
Classification: Likely benign for ASH1L-related condition. Last evaluated: 2020-12-21. Review status: no assertion criteria provided. Collection method: clinical testing. Allele origin: germline. Not counted in ClinVar's aggregate classification.
Comment: This variant is classified as likely benign based on ACMG/AMP sequence variant interpretation guidelines (Richards et al. 2015 PMID: 25741868, with internal and published modifications).